The following is an entry in ClinVar:

NM_152296.5(ATP1A3):c.2182G>A (p.Gly728Ser)

Gene: ATP1A3 (ATPase Na+/K+ transporting subunit alpha 3; minus strand). Cytogenetic location: 19q13.2.
Variant type: single nucleotide variant.
Coding change: c.2182G>A on transcript NM_152296.5 (MANE Select); coding-DNA position 2182, G replaced by A.
Protein change: p.Gly728Ser; replaces glycine 728 with serine.
Molecular consequence: missense variant.
Genome position (GRCh38, 1-based): chr19:41,975,710, C>T on the plus strand (G>A on the coding strand, the complement: ATP1A3 is on the minus strand). VCF-style: chr19-41975710-C-T. GRCh37 (hg19) VCF-style: chr19-42479862-C-T.
Other names: c.2215G>A, p.Gly739Ser (NM_001256213.2); c.2221G>A, p.Gly741Ser (NM_001256214.2); short protein forms G728S, G739S, G741S.
Identifiers: ClinVar variation 3366505 (VCV003366505.1).

ClinVar aggregate classification (germline): Uncertain significance (1 of 4 stars; one submission).

Submission:

Women's Health and Genetics/Laboratory Corporation of America, LabCorp
Classification: Uncertain significance. Last evaluated: 2024-08-05. Review status: criteria provided, single submitter. Criteria: LabCorp Variant Classification Summary - May 2015. Collection method: clinical testing. Allele origin: germline.
Comment: Variant summary: ATP1A3 c.2182G>A (p.Gly728Ser) results in a non-conservative amino acid change located in the P-type ATPase, haloacid dehalogenase domain (IPR044492) of the encoded protein sequence. Five of five in-silico tools predict a damaging effect of the variant on protein function. The variant was absent in 251460 control chromosomes. The available data on variant occurrences in the general population are insufficient to allow any conclusion about variant significance. To our knowledge, no occurrence of c.2182G>A in individuals affected with ATP1A3-Related Disorders and no experimental evidence demonstrating its impact on protein function have been reported. No submitters have cited clinical-significance assessments for this variant to ClinVar. Based on the evidence outlined above, the variant was classified as uncertain significance.